The following is an entry in ClinVar:

ClinVar aggregate classification (germline): Likely benign (1 of 4 stars; one submission).

Allele frequency attached by ClinVar (database versions not stated): 1000 Genomes Project 30x 0.00016; 1000 Genomes Project 0.00020; gnomAD 0.00314; TOPMed 0.00327; ESP Exome Variant Server 0.00392; ExAC 0.00399.
gnomAD v4.1: 5,261 of 1,334,836 alleles (0.39%); highest among the groups gnomAD compares: Non-Finnish European, 0.51%; 16 homozygotes.

Submission:

CeGaT Center for Human Genetics Tuebingen
Classification: Likely benign. Last evaluated: 2023-03-01. Review status: criteria provided, single submitter. Criteria: CeGaT Center For Human Genetics Tuebingen Variant Classification Criteria Version 2. Collection method: clinical testing. Allele origin: germline. Affected: yes. Observed: 1 variant allele.
Comment: RAB11FIP1: BP4, BS2

NM_001002814.3(RAB11FIP1):c.3633+29G>A

Gene: RAB11FIP1 (RAB11 family interacting protein 1; minus strand). Cytogenetic location: 8p11.23.
Variant type: single nucleotide variant.
Coding change: c.3633+29G>A on transcript NM_001002814.3 (MANE Select); 29 bases into the intron after coding-DNA position 3633, G replaced by A.
Molecular consequence: intron variant.
Genome position (GRCh38, 1-based): chr8:37,870,391, C>T on the plus strand (G>A on the coding strand, the complement: RAB11FIP1 is on the minus strand). VCF-style: chr8-37870391-C-T. GRCh37 (hg19) VCF-style: chr8-37727909-C-T.
Other names: c.1731+29G>A (NM_025151.5).
Identifiers: ClinVar variation 2658539 (VCV002658539.24), dbSNP rs377051797, ClinGen allele CA4713056.